The following is an entry in ClinVar:

ClinVar aggregate classification (germline): Uncertain significance. Review status: criteria provided, multiple submitters, no conflicts (2 of 4 stars). 2 submissions from 2 submitters: Uncertain significance (2). Last evaluated 2025-06-18.

Conditions:
Inborn genetic diseases. Identifiers: MedGen C0950123, MeSH D030342.

Allele frequency attached by ClinVar (database versions not stated): TOPMed below 0.00001; gnomAD 0.00001.
gnomAD v4.1: 6 of 1,613,270 alleles (0.00037%); highest among the groups gnomAD compares: Non-Finnish European, 0.00051%; no homozygotes.

Submissions (2):

Ambry Genetics
Classification: Uncertain significance for Inborn genetic diseases. Last evaluated: 2025-06-18. Review status: criteria provided, single submitter. Criteria: Ambry Variant Classification Scheme 2023. Collection method: clinical testing. Allele origin: germline.

Labcorp Genetics (formerly Invitae), Labcorp
Classification: Uncertain significance. Last evaluated: 2022-01-21. Review status: criteria provided, single submitter. Criteria: Invitae Variant Classification Sherloc (09022015). Collection method: clinical testing. Allele origin: germline.
Comment: In summary, the available evidence is currently insufficient to determine the role of this variant in disease. Therefore, it has been classified as a Variant of Uncertain Significance. This sequence change replaces glycine, which is neutral and non-polar, with arginine, which is basic and polar, at codon 2149 of the DCHS1 protein (p.Gly2149Arg). The frequency data for this variant in the population databases is considered unreliable, as metrics indicate poor data quality at this position in the gnomAD database. This variant has not been reported in the literature in individuals affected with DCHS1-related conditions. Advanced modeling of protein sequence and biophysical properties (such as structural, functional, and spatial information, amino acid conservation, physicochemical variation, residue mobility, and thermodynamic stability) performed at Invitae indicates that this missense variant is not expected to disrupt DCHS1 protein function.

NM_003737.4(DCHS1):c.6445G>A (p.Gly2149Arg)

Gene: DCHS1 (dachsous cadherin-related 1; minus strand). Cytogenetic location: 11p15.4.
Variant type: single nucleotide variant.
Coding change: c.6445G>A on transcript NM_003737.4 (MANE Select); coding-DNA position 6445, G replaced by A.
Protein change: p.Gly2149Arg; replaces glycine 2149 with arginine.
Molecular consequence: missense variant.
Genome position (GRCh38, 1-based): chr11:6,626,300, C>T on the plus strand (G>A on the coding strand, the complement: DCHS1 is on the minus strand). VCF-style: chr11-6626300-C-T. GRCh37 (hg19) VCF-style: chr11-6647531-C-T.
Other names: c.6445G>A (NM_003737.2); short protein forms G2149R.
Identifiers: ClinVar variation 1955912 (VCV001955912.6), dbSNP rs1375610244, ClinGen allele CA379388108.